The following is an entry in ClinVar:

ClinVar aggregate classification (germline): Benign (0 of 4 stars; one submission).

Conditions:
ZNF141-related disorder. Also called: ZNF141-related condition.

Allele frequency attached by ClinVar (database versions not stated): ExAC 0.01748.

Submission:

PreventionGenetics, part of Exact Sciences
Classification: Benign for ZNF141-related condition. Last evaluated: 2020-04-21. Review status: no assertion criteria provided. Collection method: clinical testing. Allele origin: germline.
Comment: This variant is classified as benign based on ACMG/AMP sequence variant interpretation guidelines (Richards et al. 2015 PMID: 25741868, with internal and published modifications).

NM_003441.4(ZNF141):c.136G>A (p.Ala46Thr)

Gene: ZNF141 (zinc finger protein 141; plus strand). Cytogenetic location: 4p16.3.
Variant type: single nucleotide variant.
Coding change: c.136G>A on transcript NM_003441.4 (MANE Select); coding-DNA position 136, G replaced by A.
Protein change: p.Ala46Thr; replaces alanine 46 with threonine.
Molecular consequence: missense variant. On other transcripts: intron variant (1).
Genome position (GRCh38, 1-based): chr4:344,340, G>A. VCF-style: chr4-344340-G-A. GRCh37 (hg19) VCF-style: chr4-338129-G-A.
Other names: c.136G>A, p.Ala46Thr (NM_001348278.2, NM_001348279.2, NM_001348280.2); c.-3+6354G>A (NM_001348277.2); short protein forms A46T.
Identifiers: ClinVar variation 3059756 (VCV003059756.2), dbSNP rs75245145, ClinGen allele CA2791576.
Genomic context (GRCh38, chr4:344,340, plus strand): 5'-TAATTGGAGAATCCCCATCAATAGTCATGTTATTATTTTTTTTAAAATAAAACAGGTGTT[G>A]CTATCTCTAACCCAGACCTGGTCACCTGTCTGGAGCAAAGAAAAGAGCCCTACAATGTGA-3'
Protein context (NP_003432.1, residues 36-56): NYRNLVSLGV[Ala46Thr]ISNPDLVTCL